The following is an entry in ClinVar:

ClinVar aggregate classification (germline): Uncertain significance. Review status: criteria provided, multiple submitters, no conflicts (2 of 4 stars). 3 submissions from 3 submitters: Uncertain significance (3). Last evaluated 2026-02-03.

Conditions:
Lymphangiomyomatosis (LAM). Also called: Lymphangioleiomyomatosis, somatic; Lymphangioleiomyomatosis. Identifiers: Orphanet 538, MedGen C0751674, MONDO:0011705, OMIM 606690.
Isolated focal cortical dysplasia type II (FCORD2). Also called: CORTICAL DYSPLASIA OF TAYLOR; Focal cortical dysplasia type II. Identifiers: Orphanet 268994, MedGen C1846385, MONDO:0011818, OMIM 607341, HP:0032051.
Tuberous sclerosis 2 (TSC2). Identifiers: Orphanet 805, MedGen C1860707, MONDO:0013199, OMIM 613254.
Hereditary cancer-predisposing syndrome. Also called: Tumor predisposition; Hereditary neoplastic syndrome; Hereditary Cancer Syndrome; Neoplastic Syndromes, Hereditary. Identifiers: Orphanet 140162, MedGen C0027672, MeSH D009386, MONDO:0015356.

Submissions (3):

Ambry Genetics
Classification: Uncertain significance for Hereditary cancer-predisposing syndrome. Last evaluated: 2026-02-03. Review status: criteria provided, single submitter. Criteria: Ambry Variant Classification Scheme 2023. Collection method: clinical testing. Allele origin: germline.
Comment: The p.L575V variant (also known as c.1723C>G), located in coding exon 16 of the TSC2 gene, results from a C to G substitution at nucleotide position 1723. The leucine at codon 575 is replaced by valine, an amino acid with highly similar properties. This amino acid position is highly conserved in available vertebrate species. In addition, this alteration is predicted to be deleterious by in silico analysis. Based on the available evidence, the clinical significance of this variant remains unclear.

Labcorp Genetics (formerly Invitae), Labcorp
Classification: Uncertain significance for Tuberous sclerosis 2. Last evaluated: 2023-07-10. Review status: criteria provided, single submitter. Criteria: Invitae Variant Classification Sherloc (09022015). Collection method: clinical testing. Allele origin: germline.
Comment: In summary, the available evidence is currently insufficient to determine the role of this variant in disease. Therefore, it has been classified as a Variant of Uncertain Significance. Advanced modeling of protein sequence and biophysical properties (such as structural, functional, and spatial information, amino acid conservation, physicochemical variation, residue mobility, and thermodynamic stability) performed at Invitae indicates that this missense variant is not expected to disrupt TSC2 protein function. ClinVar contains an entry for this variant (Variation ID: 957252). This variant has not been reported in the literature in individuals affected with TSC2-related conditions. This variant is not present in population databases (gnomAD no frequency). This sequence change replaces leucine, which is neutral and non-polar, with valine, which is neutral and non-polar, at codon 575 of the TSC2 protein (p.Leu575Val).

Juno Genomics, Hangzhou Juno Genomics, Inc
Classification: Uncertain significance for Isolated focal cortical dysplasia type II; Lymphangiomyomatosis; Tuberous sclerosis 2. Review status: criteria provided, single submitter. Criteria: ACMG Guidelines, 2015. Collection method: clinical testing. Allele origin: germline. Affected: yes.
Comment: Absent from controls (or at extremely low frequency if recessive) in Genome Aggregation Database, Exome Sequencing Project, 1000 Genomes Project, or Exome Aggregation Consortium.;Multiple lines of computational evidence support a deleterious effect on the gene or gene product (conservation, evolutionary, splicing impact, etc).

NM_000548.5(TSC2):c.1723C>G (p.Leu575Val)

Gene: TSC2 (TSC complex subunit 2; plus strand). Cytogenetic location: 16p13.3.
Variant type: single nucleotide variant.
Coding change: c.1723C>G on transcript NM_000548.5 (MANE Select); coding-DNA position 1723, C replaced by G.
Protein change: p.Leu575Val; replaces leucine 575 with valine.
Molecular consequence: missense variant.
Genome position (GRCh38, 1-based): chr16:2,070,462, C>G. VCF-style: chr16-2070462-C-G. GRCh37 (hg19) VCF-style: chr16-2120463-C-G.
Other names: c.1723C>G, p.Leu575Val (NM_001077183.3, NM_001114382.3, NM_001363528.2 and 3 more transcripts); c.1612C>G, p.Leu538Val (NM_001318827.2); c.1576C>G, p.Leu526Val (NM_001318829.2); c.1123C>G, p.Leu375Val (NM_001318831.2); c.1756C>G, p.Leu586Val (NM_001318832.2); short protein forms L375V, L526V, L538V, L575V, L586V.
Identifiers: ClinVar variation 957252 (VCV000957252.12), dbSNP rs1419122104, ClinGen allele CA394272656.